The following is an entry in ClinVar:

NM_001164405.2(BHLHA9):c.155C>T (p.Pro52Leu)

Gene: BHLHA9 (basic helix-loop-helix family member a9; plus strand). Cytogenetic location: 17p13.3.
Variant type: single nucleotide variant.
Coding change: c.155C>T on transcript NM_001164405.2 (MANE Select); coding-DNA position 155, C replaced by T.
Protein change: p.Pro52Leu; replaces proline 52 with leucine.
Molecular consequence: missense variant.
Genome position (GRCh38, 1-based): chr17:1,270,718, C>T. VCF-style: chr17-1270718-C-T. GRCh37 (hg19) VCF-style: chr17-1174012-C-T.
Other names: short protein forms P52L.
Identifiers: ClinVar variation 1519185 (VCV001519185.8), dbSNP rs1046808951, ClinGen allele CA397523493.

ClinVar aggregate classification (germline): Uncertain significance (1 of 4 stars; one submission).

gnomAD v4.1: 11 of 1,342,662 alleles (0.00082%); highest among the groups gnomAD compares: Non-Finnish European, 0.00095%; no homozygotes.

Submission:

Labcorp Genetics (formerly Invitae), Labcorp
Classification: Uncertain significance. Last evaluated: 2021-03-24. Review status: criteria provided, single submitter. Criteria: Invitae Variant Classification Sherloc (09022015). Collection method: clinical testing. Allele origin: germline.
Comment: This sequence change replaces proline with leucine at codon 52 of the BHLHA9 protein (p.Pro52Leu). The proline residue is weakly conserved and there is a moderate physicochemical difference between proline and leucine. In summary, the available evidence is currently insufficient to determine the role of this variant in disease. Therefore, it has been classified as a Variant of Uncertain Significance. Algorithms developed to predict the effect of missense changes on protein structure and function output the following: SIFT: "Tolerated"; PolyPhen-2: "Possibly Damaging"; Align-GVGD: "Class C0". The leucine amino acid residue is found in multiple mammalian species, suggesting that this missense change does not adversely affect protein function. These predictions have not been confirmed by published functional studies and their clinical significance is uncertain. This variant has not been reported in the literature in individuals with BHLHA9-related conditions. The frequency data for this variant in the population databases is considered unreliable, as metrics indicate insufficient coverage at this position in the ExAC database.